The following is an entry in ClinVar:

ClinVar aggregate classification (germline): Uncertain significance (1 of 4 stars; one submission).

Conditions:
Hereditary cancer-predisposing syndrome. Also called: Tumor predisposition; Hereditary neoplastic syndrome; Hereditary Cancer Syndrome; Neoplastic Syndromes, Hereditary. Identifiers: Orphanet 140162, MedGen C0027672, MeSH D009386, MONDO:0015356.

Submission:

Ambry Genetics
Classification: Uncertain significance for Hereditary cancer-predisposing syndrome. Last evaluated: 2024-03-12. Review status: criteria provided, single submitter. Criteria: Ambry Variant Classification Scheme 2023. Collection method: clinical testing. Allele origin: germline.
Comment: The p.R675P variant (also known as c.2024G>C), located in coding exon 7 of the AXIN2 gene, results from a G to C substitution at nucleotide position 2024. The arginine at codon 675 is replaced by proline, an amino acid with dissimilar properties. This amino acid position is conserved. In addition, this alteration is predicted to be tolerated by in silico analysis. Based on the available evidence, the clinical significance of this alteration remains unclear.

NM_004655.4(AXIN2):c.2024G>C (p.Arg675Pro)

Gene: AXIN2 (axin 2; minus strand). Cytogenetic location: 17q24.1.
Variant type: single nucleotide variant.
Coding change: c.2024G>C on transcript NM_004655.4 (MANE Select); coding-DNA position 2024, G replaced by C.
Protein change: p.Arg675Pro; replaces arginine 675 with proline.
Molecular consequence: missense variant.
Genome position (GRCh38, 1-based): chr17:65,536,437, C>G on the plus strand (G>C on the coding strand, the complement: AXIN2 is on the minus strand). VCF-style: chr17-65536437-C-G. GRCh37 (hg19) VCF-style: chr17-63532555-C-G.
Other names: c.1829G>C, p.Arg610Pro (NM_001363813.1); short protein forms R610P, R675P.
Identifiers: ClinVar variation 3224388 (VCV003224388.1), dbSNP rs730881401, ClinGen allele CA400676139.
Genomic context (GRCh38, chr17:65,536,437, plus strand): 5'-GCCAGCGTGTTGGGTGGGGTCAGGGGAGGCATCGCAGGGTCCTGGGTGAACAGGTGGGCA[C>G]GGGGGGTGGTGCGGGGGTGCCCGCTGTTGCCCCCCCACAGATGGTGCCGGCTGGCTCGTT-3'
Protein context (NP_004646.3, residues 665-685): GNSGHPRTTP[Arg675Pro]AHLFTQDPAM